The following is an entry in ClinVar:

ClinVar aggregate classification (germline): Uncertain significance (1 of 4 stars; one submission).

Submission:

GeneDx
Classification: Uncertain significance. Last evaluated: 2023-12-02. Review status: criteria provided, single submitter. Criteria: GeneDx Variant Classification Process June 2021. Collection method: clinical testing. Allele origin: germline. Affected: yes.
Comment: Not observed at significant frequency in large population cohorts (gnomAD); In silico analysis supports that this missense variant does not alter protein structure/function; Has not been previously published as pathogenic or benign to our knowledge; Variants in candidate genes are classified as variants of uncertain significance in accordance with ACMG guidelines (PMID: 25741868)

NM_014974.3(DIP2C):c.729G>T (p.Glu243Asp)

Gene: DIP2C (disco interacting protein 2 homolog C; minus strand). Cytogenetic location: 10p15.3.
Variant type: single nucleotide variant.
Coding change: c.729G>T on transcript NM_014974.3 (MANE Select); coding-DNA position 729, G replaced by T.
Protein change: p.Glu243Asp; replaces glutamic acid 243 with aspartic acid.
Molecular consequence: missense variant.
Genome position (GRCh38, 1-based): chr10:419,075, C>A on the plus strand (G>T on the coding strand, the complement: DIP2C is on the minus strand). VCF-style: chr10-419075-C-A. GRCh37 (hg19) VCF-style: chr10-465015-C-A.
Other names: short protein forms E243D.
Identifiers: ClinVar variation 3252133 (VCV003252133.1), dbSNP rs2540923151.